The following is an entry in ClinVar:

NM_001376.5(DYNC1H1):c.3676C>T (p.Arg1226Trp)

Gene: DYNC1H1 (dynein cytoplasmic 1 heavy chain 1; plus strand). Cytogenetic location: 14q32.31.
Variant type: single nucleotide variant.
Coding change: c.3676C>T on transcript NM_001376.5 (MANE Select); coding-DNA position 3676, C replaced by T.
Protein change: p.Arg1226Trp; replaces arginine 1226 with tryptophan.
Molecular consequence: missense variant.
Genome position (GRCh38, 1-based): chr14:101,997,146, C>T. VCF-style: chr14-101997146-C-T. GRCh37 (hg19) VCF-style: chr14-102463483-C-T.
Other names: short protein forms R1226W.
Identifiers: ClinVar variation 2896000 (VCV002896000.3), dbSNP rs1000725714, ClinGen allele CA266989140.
Genomic context (GRCh38, chr14:101,997,146, plus strand): 5'-CCTTCCTGGCTTTATATTGACAACATCGAGGGAGAGTGGGGAGCCTTCAATGACATCATG[C>T]GGCGAAAGGACTCTGCCATTCAGCAGCAGGTGGCAAACCTGCAAATGAAGATTGTCCAGG-3'
Protein context (NP_001367.2, residues 1216-1236): GEWGAFNDIM[Arg1226Trp]RKDSAIQQQV

ClinVar aggregate classification (germline): Uncertain significance (1 of 4 stars; one submission).

Conditions:
Charcot-Marie-Tooth disease axonal type 2O. Also called: CHARCOT-MARIE-TOOTH NEUROPATHY, AXONAL, TYPE 2O; CHARCOT-MARIE-TOOTH DISEASE, AXONAL, AUTOSOMAL DOMINANT, TYPE 2O; Charcot-Marie-Tooth Neuropathy Type 2O; Charcot-Marie-Tooth disease, axonal, type 20. Identifiers: Orphanet 284232, MedGen C3280220, MONDO:0013644, OMIM 614228.

gnomAD v4.1: 8 of 1,613,994 alleles (0.0005%); highest among the groups gnomAD compares: South Asian, 0.0033%; no homozygotes.

Submission:

Labcorp Genetics (formerly Invitae), Labcorp
Classification: Uncertain significance for Charcot-Marie-Tooth disease axonal type 2O. Last evaluated: 2025-05-22. Review status: criteria provided, single submitter. Criteria: Invitae Variant Classification Sherloc (09022015). Collection method: clinical testing. Allele origin: germline.
Comment: This sequence change replaces arginine, which is basic and polar, with tryptophan, which is neutral and slightly polar, at codon 1226 of the DYNC1H1 protein (p.Arg1226Trp). This variant is present in population databases (no rsID available, gnomAD 0.01%). This missense change has been observed in individual(s) with Charcot-Marie-Tooth disease (PMID: 34255403). ClinVar contains an entry for this variant (Variation ID: 2896000). Invitae Evidence Modeling of protein sequence and biophysical properties (such as structural, functional, and spatial information, amino acid conservation, physicochemical variation, residue mobility, and thermodynamic stability) has been performed for this missense variant. However, the output from this modeling did not meet the statistical confidence thresholds required to predict the impact of this variant on DYNC1H1 protein function. In summary, the available evidence is currently insufficient to determine the role of this variant in disease. Therefore, it has been classified as a Variant of Uncertain Significance.

Literature cited by the submitters: PubMed 34255403.